The following is an entry in ClinVar:

ClinVar aggregate classification (germline): Benign/Likely benign. Review status: criteria provided, multiple submitters, no conflicts (2 of 4 stars). 7 submissions from 7 submitters: Benign (1); Likely benign (5). 1 of the submissions does not count toward it. Last evaluated 2025-12-26.

Conditions:
HSPG2-related disorder. Also called: HSPG2-related disorders; HSPG2-related condition.

Allele frequency attached by ClinVar (database versions not stated): gnomAD 0.00004 and 0.00017; TOPMed 0.00006; gnomAD exomes 0.00024 and 0.00041; ExAC 0.00039; 1000 Genomes Project 0.00060; 1000 Genomes Project 30x 0.00062.
gnomAD v4.1: 367 of 1,613,174 alleles (0.023%); highest among the groups gnomAD compares: South Asian, 0.28%; 4 homozygotes.

Submissions (7):

Women's Health and Genetics/Laboratory Corporation of America, LabCorp
Classification: Likely benign. Last evaluated: 2025-12-26. Review status: criteria provided, single submitter. Criteria: LabCorp Variant Classification Summary - May 2015. Collection method: clinical testing. Allele origin: germline.

Labcorp Genetics (formerly Invitae), Labcorp
Classification: Benign. Last evaluated: 2025-09-09. Review status: criteria provided, single submitter. Criteria: Invitae Variant Classification Sherloc (09022015). Collection method: clinical testing. Allele origin: germline.

CeGaT Center for Human Genetics Tuebingen
Classification: Likely benign. Last evaluated: 2025-09-01. Review status: criteria provided, single submitter. Criteria: CeGaT Center For Human Genetics Tuebingen Variant Classification Criteria Version 2. Collection method: clinical testing. Allele origin: germline. Affected: yes. Observed: 1 variant allele.
Comment: HSPG2: BP4, BS2

Blueprint Genetics
Classification: Likely benign. Last evaluated: 2024-08-08. Review status: criteria provided, single submitter. Criteria: ACMG Guidelines, 2015. Collection method: clinical testing. Allele origin: germline.

Eurofins Ntd Llc (ga)
Classification: Likely benign. Last evaluated: 2015-11-05. Review status: criteria provided, single submitter. Criteria: EGL Classification Definitions 2015. Collection method: clinical testing. Allele origin: germline. Observed: 1 variant allele, 1 heterozygote.

Breakthrough Genomics
Classification: Likely benign. Review status: criteria provided, single submitter. Criteria: ACMG Guidelines, 2015. Collection method: not provided. Allele origin: germline. Inheritance: Autosomal recessive inheritance. Affected: yes.

PreventionGenetics, part of Exact Sciences
Classification: Likely benign for HSPG2-related condition. Last evaluated: 2019-05-28. Review status: no assertion criteria provided. Collection method: clinical testing. Allele origin: germline. Not counted in ClinVar's aggregate classification.
Comment: This variant is classified as likely benign based on ACMG/AMP sequence variant interpretation guidelines (Richards et al. 2015 PMID: 25741868, with internal and published modifications).

NM_005529.7(HSPG2):c.5646G>A (p.Leu1882=)

Gene: HSPG2 (heparan sulfate proteoglycan 2; minus strand). Cytogenetic location: 1p36.12.
Variant type: single nucleotide variant.
Coding change: c.5646G>A on transcript NM_005529.7 (MANE Select); coding-DNA position 5646, G replaced by A.
Protein change: p.Leu1882=; no amino-acid change (leucine 1882 retained).
Molecular consequence: synonymous variant.
Genome position (GRCh38, 1-based): chr1:21,855,842, C>T on the plus strand (G>A on the coding strand, the complement: HSPG2 is on the minus strand). VCF-style: chr1-21855842-C-T. GRCh37 (hg19) VCF-style: chr1-22182335-C-T.
Other names: c.5646G>A (NM_005529.6); c.5649G>A, p.Leu1883= (NM_001291860.2).
Identifiers: ClinVar variation 284080 (VCV000284080.24), dbSNP rs533624001, ClinGen allele CA671845.
Genomic context (GRCh38, chr1:21,855,842, plus strand): 5'-CTCACCTGTCCACTCGAGGGTGGGCGTGGGGCTCCCTGTGGCGCTGCAGCGGAACTCCGC[C>T]AGTTGCCCGGGCTGCACTGTGAGCTGTGGCGGATGGATGGAGACCACGGGGGCGGACAAG-3'
Protein context (NP_005520.4, residues 1872-1892): PPQLTVQPGQ[Leu1882=]AEFRCSATGS